The following is an entry in ClinVar:

NM_004959.5(NR5A1):c.1114_1116del (p.Lys372del)

Gene: NR5A1 (nuclear receptor subfamily 5 group A member 1; minus strand). Cytogenetic location: 9q33.3.
Variant type: Deletion.
Coding change: c.1114_1116del on transcript NM_004959.5 (MANE Select); coding-DNA positions 1114 to 1116, 3 bases deleted (AAG; older notation c.1114_1116delAAG).
Protein change: p.Lys372del; deletes lysine 372.
Genome position (GRCh38, 1-based): chr9:124,491,103-124,491,105, CTT deleted on the plus strand (AAG on the coding strand, the reverse complement: NR5A1 is on the minus strand). VCF-style (leftmost placement, unchanged base first): chr9-124491102-ACTT-A. GRCh37 (hg19) VCF-style: chr9-127253381-ACTT-A.
Other names: short protein forms K372del.
Identifiers: ClinVar variation 3895489 (VCV003895489.1).
Genomic context (GRCh38, chr9:124,491,102, plus strand): 5'-TGGCTGTCTCCACCTCTCTGTCACTGGAGCTGCACTCACCCAGGCTGAAGAGGATGATGA[ACTT>A]GAGGCAGACAAACTCCTGCCGGTCCAGCTGCAGCGCAAGCAGCTGCAGCACCAGCTCCTG-3'

ClinVar aggregate classification (germline): Pathogenic. Review status: criteria provided, single submitter (1 of 4 stars). 2 submissions from 1 submitter: Pathogenic (2). Last evaluated 2025-03-25.

Conditions:
46,XY sex reversal 3. Also called: NR5A1-related 46,XY complete gonadal dysgenesis; SEX REVERSAL, XY, WITH OR WITHOUT ADRENAL FAILURE; 46,XY SEX REVERSAL, PARTIAL OR COMPLETE, NR5A1-RELATED; 46,XY GONADAL DYSGENESIS, PARTIAL OR COMPLETE, WITH OR WITHOUT ADRENAL FAILURE; DISORDER OF SEX DEVELOPMENT, 46,XY, NR5A1-RELATED. Identifiers: MedGen C3489793, MONDO:0013066, OMIM 612965.
Premature ovarian failure 7 (POF7). Identifiers: MedGen C2751825, MONDO:0013065, OMIM 612964.

Submissions (2):

Reproductive Development, Murdoch Childrens Research Institute
Classification: Pathogenic for 46,XY sex reversal 3. Last evaluated: 2025-03-25. Review status: criteria provided, single submitter. Criteria: ACMG Guidelines, 2015. Collection method: research. Allele origin: maternal. Affected: yes. Observed: 3 variant alleles.
Comment: A deletion in NR5A1 in a family with 46,XY disorders of sex development and 46,XX premature ovarian insufficiency. NM_004959.4:c.1114_1116del is an inframe deletion of three nucleotides predicted to lead to a deletion of a single amino acid (K372) in the predicted ligand binding domain of the NR5A1/SF1 (OMIM: 184757) protein. The variant was identified in a large multi-generational family affected by 46,XY DSD and 46,XX POI. Functional assays showed that the p.Lys372del protein bound with a lower efficiency than the wild-type protein to NR5A1/SF1-responsive elements in vitro, and failed to activate NR5A1/SF1-responsive promoters. Eggers S, Whole exome sequencing combined with linkage analysis identifies a novel 3 bp deletion in NR5A1. Eur J Hum Genet. 2015 Apr;23(4):486-93. doi: 10.1038/ejhg.2014.130. Epub 2014 Aug 6. PMID: 25099250; PMCID: PMC4666572. based on the ACMG/AMP criteria applied: Segregation data: PP1 Cosegregation with disease in multiple affected family members in a gene definitively known to cause the disease. Phenotype: PP4. Functional studies: PS3. Population data: PM2. Effect on protein: PM4

Reproductive Development, Murdoch Childrens Research Institute
Classification: Pathogenic for Premature ovarian failure 7. Last evaluated: 2025-03-25. Review status: criteria provided, single submitter. Criteria: ACMG Guidelines, 2015. Collection method: research. Allele origin: inherited. Affected: yes. Observed: 4 variant alleles.
Comment: the same text as in the submission from Reproductive Development, Murdoch Childrens Research Institute above.

Literature cited by the submitters: PubMed 25099250.